The following is an entry in ClinVar:

NM_000426.4(LAMA2):c.7732C>G (p.Arg2578Gly)

Gene: LAMA2 (laminin subunit alpha 2; plus strand). Cytogenetic location: 6q22.33.
Variant type: single nucleotide variant.
Coding change: c.7732C>G on transcript NM_000426.4 (MANE Select); coding-DNA position 7732, C replaced by G.
Protein change: p.Arg2578Gly; replaces arginine 2578 with glycine.
Molecular consequence: missense variant.
Genome position (GRCh38, 1-based): chr6:129,481,422, C>G. VCF-style: chr6-129481422-C-G. GRCh37 (hg19) VCF-style: chr6-129802567-C-G.
Other names: c.7720C>G, p.Arg2574Gly (NM_001079823.2); short protein forms R2578G, R2574G.
Identifiers: ClinVar variation 576235 (VCV000576235.6), dbSNP rs121913572, ClinGen allele CA365628402.

ClinVar aggregate classification (germline): Uncertain significance (1 of 4 stars; one submission).

Conditions:
LAMA2-related muscular dystrophy (LAMA2-RD). Also called: Laminin alpha 2-related dystrophy. Identifiers: MedGen C5679788, MONDO:0100228.

gnomAD v4.1: 3 of 1,613,630 alleles (0.00019%); highest among the groups gnomAD compares: Non-Finnish European, 0.00025%; no homozygotes.

Submission:

Labcorp Genetics (formerly Invitae), Labcorp
Classification: Uncertain significance for LAMA2-related muscular dystrophy. Last evaluated: 2022-10-13. Review status: criteria provided, single submitter. Criteria: Invitae Variant Classification Sherloc (09022015). Collection method: clinical testing. Allele origin: germline.
Comment: This sequence change replaces arginine, which is basic and polar, with glycine, which is neutral and non-polar, at codon 2578 of the LAMA2 protein (p.Arg2578Gly). This variant is not present in population databases (gnomAD no frequency). This variant has not been reported in the literature in individuals affected with LAMA2-related conditions. ClinVar contains an entry for this variant (Variation ID: 576235). Advanced modeling of protein sequence and biophysical properties (such as structural, functional, and spatial information, amino acid conservation, physicochemical variation, residue mobility, and thermodynamic stability) performed at Invitae indicates that this missense variant is not expected to disrupt LAMA2 protein function. In summary, the available evidence is currently insufficient to determine the role of this variant in disease. Therefore, it has been classified as a Variant of Uncertain Significance.